The following is an entry in ClinVar:

NM_001282144.2(NLRX1):c.2355-79G>A

Gene: NLRX1 (NLR family member X1; plus strand). Cytogenetic location: 11q23.3.
Variant type: single nucleotide variant.
Coding change: c.2355-79G>A on transcript NM_001282144.2 (MANE Select); 79 bases into the intron before coding-DNA position 2355, G replaced by A.
Molecular consequence: intron variant.
Genome position (GRCh38, 1-based): chr11:119,182,015, G>A. VCF-style: chr11-119182015-G-A. GRCh37 (hg19) VCF-style: chr11-119052724-G-A.
Other names: c.2355-79G>A (NM_001282358.2, NM_024618.4, NM_001282143.2).
Identifiers: ClinVar variation 103142 (VCV000103142.2), dbSNP rs199476051, ClinGen allele CA230178.

ClinVar aggregate classification (germline): not provided (0 of 4 stars; one submission).

Allele frequency attached by ClinVar (database versions not stated): gnomAD exomes below 0.00001.
gnomAD v4.1: 1 of 1,554,008 alleles (0.000064%); highest among the groups gnomAD compares: South Asian, 0.0012%; no homozygotes.

Submission:

Human Evolutionary Genetics, Institut Pasteur
No classification provided. Review status: no classification provided. Collection method: not provided. Allele origin: germline.
ClinVar note: Converted during submission from untested to not provided.